The following is an entry in ClinVar:

NM_003482.4(KMT2D):c.16442G>A (p.Cys5481Tyr)

Gene: KMT2D (lysine methyltransferase 2D; minus strand). Cytogenetic location: 12q13.12.
Variant type: single nucleotide variant.
Coding change: c.16442G>A on transcript NM_003482.4 (MANE Select); coding-DNA position 16442, G replaced by A.
Protein change: p.Cys5481Tyr; replaces cysteine 5481 with tyrosine.
Molecular consequence: missense variant.
Genome position (GRCh38, 1-based): chr12:49,022,122, C>T on the plus strand (G>A on the coding strand, the complement: KMT2D is on the minus strand). VCF-style: chr12-49022122-C-T. GRCh37 (hg19) VCF-style: chr12-49415905-C-T.
Other names: short protein forms C5481Y.
Identifiers: ClinVar variation 986938 (VCV000986938.8), dbSNP rs1388523736, ClinGen allele CA384676242.

ClinVar aggregate classification (germline): Pathogenic/Likely pathogenic. Review status: criteria provided, multiple submitters, no conflicts (2 of 4 stars). 2 submissions from 2 submitters: Pathogenic (1); Likely pathogenic (1). Last evaluated 2021-06-03.

Conditions:
Kabuki syndrome. Also called: Kabuki make-up syndrome; NIIKAWA-KUROKI SYNDROME. Identifiers: Orphanet 2322, MedGen C0796004, MONDO:0016512.

Allele frequency attached by ClinVar (database versions not stated): gnomAD exomes below 0.00001; gnomAD 0.00001.
gnomAD v4.1: 2 of 1,613,928 alleles (0.00012%); highest among the groups gnomAD compares: South Asian, 0.0011%; no homozygotes.

Submissions (2):

Labcorp Genetics (formerly Invitae), Labcorp
Classification: Pathogenic for Kabuki syndrome. Last evaluated: 2021-06-03. Review status: criteria provided, single submitter. Criteria: Invitae Variant Classification Sherloc (09022015). Collection method: clinical testing. Allele origin: germline.
Comment: This sequence change replaces cysteine with tyrosine at codon 5481 of the KMT2D protein (p.Cys5481Tyr). The cysteine residue is moderately conserved and there is a large physicochemical difference between cysteine and tyrosine. This variant is not present in population databases (ExAC no frequency). This variant has been observed in individual(s) with clinical features of Kabuki syndrome (PMID: 22126750, 30459467, 27302555). In at least one individual the variant was observed to be de novo. ClinVar contains an entry for this variant (Variation ID: 986938). Advanced modeling of protein sequence and biophysical properties (such as structural, functional, and spatial information, amino acid conservation, physicochemical variation, residue mobility, and thermodynamic stability) performed at Invitae indicates that this missense variant is expected to disrupt KMT2D protein function. For these reasons, this variant has been classified as Pathogenic.

Institute of Medical Genetics and Applied Genomics, University Hospital Tübingen
Classification: Likely pathogenic. Last evaluated: 2020-10-23. Review status: criteria provided, single submitter. Criteria: ACMG Guidelines, 2015. Collection method: clinical testing. Allele origin: germline. Inheritance: Autosomal dominant inheritance. Affected: yes.

Literature cited by the submitters: PubMed 22126750 (cited by Labcorp Genetics (formerly Invitae), Labcorp); PubMed 30459467 (cited by Labcorp Genetics (formerly Invitae), Labcorp); PubMed 27302555 (cited by Labcorp Genetics (formerly Invitae), Labcorp).